The following is an entry in ClinVar:

NM_001371928.1(AHDC1):c.3809del (p.Gln1270fs)

Gene: AHDC1 (AT-hook DNA binding motif containing 1; minus strand). Cytogenetic location: 1p36.11.
Variant type: Deletion.
Coding change: c.3809del on transcript NM_001371928.1 (MANE Select); coding-DNA position 3809, one base deleted (A; older notation c.3809delA).
Protein change: p.Gln1270fs; shifts the reading frame from glutamine 1270.
Molecular consequence: frameshift variant.
Genome position (GRCh38, 1-based): chr1:27,548,307, T deleted on the plus strand (A on the coding strand, the reverse complement: AHDC1 is on the minus strand). VCF-style (leftmost placement, unchanged base first): chr1-27548306-CT-C. GRCh37 (hg19) VCF-style: chr1-27874817-CT-C.
Other names: c.3809del, p.Gln1270fs (NM_001029882.3); short protein forms Q1270fs.
Identifiers: ClinVar variation 208157 (VCV000208157.4), dbSNP rs796065041, ClinGen allele CA319659.

ClinVar aggregate classification (germline): Pathogenic. Review status: criteria provided, single submitter (1 of 4 stars). 2 submissions from 2 submitters: Pathogenic (1). 1 of the submissions does not count toward it. Last evaluated 2015-03-25.

Conditions:
AHDC1-related intellectual disability - obstructive sleep apnea - mild dysmorphism syndrome. Also called: Xia-Gibbs syndrome. Identifiers: Orphanet 412069, MedGen C4014419, MONDO:0014358, OMIM 615829.

Submissions (2):

GeneDx
Classification: Pathogenic. Last evaluated: 2015-03-25. Review status: criteria provided, single submitter. Criteria: GeneDx Variant Classification (06012015). Collection method: clinical testing. Allele origin: germline. Affected: yes.
Comment: The c.3809delA variant in the AHDC1 gene has not been reported previously as a disease-causing mutation nor as a benign polymorphism, to our knowledge. The c.3809delA variant causes a frameshift starting with codon Glutamine 1270, changes this amino acid to an Arginine residue and creates a premature Stop codon at position 75 of the new reading frame, denoted p.Gln1270ArgfsX75. This variant is predicted to cause loss of normal protein function either through protein truncation or nonsense-mediated mRNA decay. The c.3809delA variant was not observed in approximately 6,500 individuals of European and African American ancestry in the NHLBI Exome Sequencing Project, indicating it is not a common benign variant in these populations. We interpret c.3809delA as a pathogenic variant.

Human Genome Sequencing Center Clinical Lab, Baylor College of Medicine
Classification: Pathogenic for AHDC1-related intellectual disability - obstructive sleep apnea - mild dysmorphism syndrome. Review status: no assertion criteria provided. Collection method: clinical testing. Allele origin: de novo. Affected: yes. Not counted in ClinVar's aggregate classification.